The following is an entry in ClinVar:

ClinVar aggregate classification (germline): Likely benign (0 of 4 stars; one submission).

Conditions:
DROSHA-related disorder. Also called: DROSHA-related condition.

Allele frequency attached by ClinVar (database versions not stated): TOPMed 0.00002; gnomAD 0.00005; ExAC 0.00024; 1000 Genomes Project 0.00040; 1000 Genomes Project 30x 0.00062.
gnomAD v4.1: 154 of 1,613,856 alleles (0.0095%); highest among the groups gnomAD compares: South Asian, 0.16%; 1 homozygote.

Submission:

PreventionGenetics, part of Exact Sciences
Classification: Likely benign for DROSHA-related condition. Last evaluated: 2022-01-26. Review status: no assertion criteria provided. Collection method: clinical testing. Allele origin: germline.
Comment: This variant is classified as likely benign based on ACMG/AMP sequence variant interpretation guidelines (Richards et al. 2015 PMID: 25741868, with internal and published modifications).

NM_001382508.1(DROSHA):c.782A>G (p.Gln261Arg)

Gene: DROSHA (drosha ribonuclease III; minus strand). Cytogenetic location: 5p13.3.
Variant type: single nucleotide variant.
Coding change: c.782A>G on transcript NM_001382508.1 (MANE Select); coding-DNA position 782, A replaced by G.
Protein change: p.Gln261Arg; replaces glutamine 261 with arginine.
Molecular consequence: missense variant.
Genome position (GRCh38, 1-based): chr5:31,526,151, T>C on the plus strand (A>G on the coding strand, the complement: DROSHA is on the minus strand). VCF-style: chr5-31526151-T-C. GRCh37 (hg19) VCF-style: chr5-31526258-T-C.
Other names: c.782A>G, p.Gln261Arg (NM_001100412.2, NM_013235.5); short protein forms Q261R.
Identifiers: ClinVar variation 3058687 (VCV003058687.2), dbSNP rs544823531, ClinGen allele CA3217880.